The following is an entry in ClinVar:

ClinVar aggregate classification (germline): Likely pathogenic (1 of 4 stars; one submission).

Conditions:
Neuronal ceroid lipofuscinosis. Also called: Neuronal Ceroid Lipofuscinoses. Identifiers: Orphanet 216, Orphanet 79263, MedGen C0027877, MONDO:0016295. Disease mechanism: loss of function.

Submission:

Women's Health and Genetics/Laboratory Corporation of America, LabCorp
Classification: Likely pathogenic for Neuronal ceroid lipofuscinosis. Last evaluated: 2021-11-10. Review status: criteria provided, single submitter. Criteria: LabCorp Variant Classification Summary - May 2015. Collection method: clinical testing. Allele origin: germline.
Comment: Variant summary: KCTD7 c.731delT (p.Leu244ArgfsX29) results in a premature termination at codon 273, predicted to cause a truncation of the encoded protein or absence of the protein due to nonsense mediated decay, which are commonly known mechanisms for disease. Other variants causing premature termination at codon 273 or at a downstream codon (e.g. p.Ile199SerfsX74, p.Phe232LeufsX41, p.Trp289X) have been cited in various databases (ClinVar, HGMD, LOVD) as pathogenic and disease-associated. The variant was absent in 251276 control chromosomes (gnomAD). To our knowledge, no occurrence of c.731delT in individuals affected with Neuronal Ceroid-Lipofuscinosis (Batten Disease) and no experimental evidence demonstrating its impact on protein function have been reported. No clinical diagnostic laboratories have submitted clinical-significance assessments for this variant to ClinVar after 2014. Based on the evidence outlined above, the variant was classified as likely pathogenic.

NM_153033.5(KCTD7):c.731del (p.Leu244fs)

Gene: KCTD7 (potassium channel tetramerization domain containing 7; plus strand). Cytogenetic location: 7q11.21.
Variant type: Deletion.
Coding change: c.731del on transcript NM_153033.5 (MANE Select); coding-DNA position 731, one base deleted (T; older notation c.731delT).
Protein change: p.Leu244fs; shifts the reading frame from leucine 244.
Molecular consequence: frameshift variant.
Genome position (GRCh38, 1-based): chr7:66,639,093, T deleted. VCF-style (leftmost placement, unchanged base first): chr7-66639092-CT-C. GRCh37 (hg19) VCF-style: chr7-66104079-CT-C.
Other names: c.731del, p.Leu244fs (NM_001167961.2); short protein forms L244fs.
Identifiers: ClinVar variation 1329067 (VCV001329067.1), dbSNP rs2116775575, ClinGen allele CA2573052906.
Genomic context (GRCh38, chr7:66,639,092, plus strand): 5'-CACCACTGTGAAGTGGATGTGTCTTTTGGGCCCTGGGAGGCTGTGGCTGATGTTTATGAC[CT>C]GCTGCACTGCCTGGTCACGGACCTCTCGGCCCAGGGTCTCACCGTGGACCACCAGTGCAT-3'